The following is an entry in ClinVar:

NM_004519.4(KCNQ3):c.1783T>C (p.Ser595Pro)

Gene: KCNQ3 (potassium voltage-gated channel subfamily Q member 3; minus strand). Cytogenetic location: 8q24.22.
Variant type: single nucleotide variant.
Coding change: c.1783T>C on transcript NM_004519.4 (MANE Select); coding-DNA position 1783, T replaced by C.
Protein change: p.Ser595Pro; replaces serine 595 with proline.
Molecular consequence: missense variant.
Genome position (GRCh38, 1-based): chr8:132,134,306, A>G on the plus strand (T>C on the coding strand, the complement: KCNQ3 is on the minus strand). VCF-style: chr8-132134306-A-G. GRCh37 (hg19) VCF-style: chr8-133146553-A-G.
Other names: c.1423T>C, p.Ser475Pro (NM_001204824.2); short protein forms S595P, S475P.
Identifiers: ClinVar variation 424010 (VCV000424010.3), dbSNP rs1064796743, ClinGen allele CA16618599.

ClinVar aggregate classification (germline): Uncertain significance (1 of 4 stars; one submission).

Submission:

GeneDx
Classification: Uncertain significance. Last evaluated: 2019-06-03. Review status: criteria provided, single submitter. Criteria: GeneDx Variant Classification Process June 2021. Collection method: clinical testing. Allele origin: germline. Affected: yes.
Comment: Not observed in large population cohorts (Lek et al., 2016); Has not been previously published as pathogenic or benign to our knowledge